The following is an entry in ClinVar:

NM_001378615.1(CC2D2A):c.3145C>A (p.Arg1049=)

Genes: CC2D2A (coiled-coil and C2 domain containing 2A; plus strand), FBXL5 (F-box and leucine rich repeat protein 5; minus strand). Cytogenetic location: 4p15.32.
Variant type: single nucleotide variant.
Coding change: c.3145C>A on transcript NM_001378615.1 (MANE Select); coding-DNA position 3145, C replaced by A.
Protein change: p.Arg1049=; no amino-acid change (arginine 1049 retained).
Molecular consequence: synonymous variant.
Genome position (GRCh38, 1-based): chr4:15,563,485, C>A. VCF-style: chr4-15563485-C-A. GRCh37 (hg19) VCF-style: chr4-15565108-C-A.
Other names: c.3145C>A, p.Arg1049= (NM_001080522.2); c.2998C>A, p.Arg1000= (NM_001378617.1).
Identifiers: ClinVar variation 384834 (VCV000384834.17), dbSNP rs386833750, ClinGen allele CA2864084.
Genomic context (GRCh38, chr4:15,563,485, plus strand): 5'-AAGAAGGTGACAGCCCAAAACCTGTCTGATGGAGACATAAAGCTGCTGGTGAACATTGTG[C>A]GAGCTTACGACATTCCAGTGAGGAAGCCGGCAGTGAGGTGAGAGCCCTCCCAACAGCCCG-3'
Protein context (NP_001365544.1, residues 1039-1059): GDIKLLVNIV[Arg1049=]AYDIPVRKPA

ClinVar aggregate classification (germline): Conflicting classifications of pathogenicity. Review status: criteria provided, conflicting classifications (1 of 4 stars). 3 submissions from 3 submitters: Uncertain significance (1); Likely benign (2). Last evaluated 2025-11-16.

Conditions:
Meckel-Gruber syndrome. Also called: Dysencephalia splachnocystica; DYSENCEPHALIA SPLANCHNOCYSTICA; GRUBER SYNDROME. Identifiers: Orphanet 564, MedGen C0265215, MONDO:0018921.
Joubert syndrome. Also called: JOUBERT-BOLTSHAUSER SYNDROME; Familial aplasia of the vermis. Identifiers: Orphanet 475, MedGen C5979921, MONDO:0018772.

Allele frequency attached by ClinVar (database versions not stated): TOPMed 0.00003.
gnomAD v4.1: 40 of 1,612,090 alleles (0.0025%); highest among the groups gnomAD compares: Non-Finnish European, 0.0032%; no homozygotes.

Submissions (3):

Labcorp Genetics (formerly Invitae), Labcorp
Classification: Likely benign for Joubert syndrome; Meckel-Gruber syndrome. Last evaluated: 2025-11-16. Review status: criteria provided, single submitter. Criteria: Invitae Variant Classification Sherloc (09022015). Collection method: clinical testing. Allele origin: germline.

Eurofins Ntd Llc (ga)
Classification: Uncertain significance. Last evaluated: 2018-01-31. Review status: criteria provided, single submitter. Criteria: EGL Classification Definitions 2015. Collection method: clinical testing. Allele origin: germline. Observed: 1 variant allele, 1 heterozygote.

GeneDx
Classification: Likely benign. Last evaluated: 2016-03-29. Review status: criteria provided, single submitter. Criteria: GeneDx Variant Classification (06012015). Collection method: clinical testing. Allele origin: germline. Affected: yes.
Comment: This variant is considered likely benign or benign based on one or more of the following criteria: it is a conservative change, it occurs at a poorly conserved position in the protein, it is predicted to be benign by multiple in silico algorithms, and/or has population frequency not consistent with disease.